The following is an entry in ClinVar:

ClinVar aggregate classification (germline): Pathogenic (1 of 4 stars; one submission).

Submission:

ISCA site 4
Classification: Pathogenic. Last evaluated: 2011-08-12. Review status: criteria provided, single submitter. Criteria: Kaminsky et al. (Genet Med. 2011). Collection method: clinical testing. Allele origin: de novo. Affected: yes. Observed: 1 variant allele.
Comment: Copy number variation identified through the course of routine clinical cytogenomic testing in postnatal populations. Clinical assertions have been curated as described in Kaminsky et al. 2011.

GRCh38/hg38 17q23.1-23.2(chr17:60095339-62237942)x1

Genes: APPBP2 (amyloid beta precursor protein binding protein 2; minus strand), APPBP2-DT (APPBP2 divergent transcript; plus strand), BCAS3 (BCAS3 microtubule associated cell migration factor; plus strand), BCAS3-AS1 (BCAS3 antisense RNA 1; minus strand), BRIP1 (BRCA1 interacting helicase 1; minus strand) and 53 more. Cytogenetic location: 17q23.1-23.2.
Variant type: copy number loss.
Change: copy number 1 (one copy instead of two) of chr17:60,095,339-62,237,942 (2.14 Mb, GRCh38 coordinates, 1-based), cytogenetic band 17q23.1-23.2.
Identifiers: ClinVar variation 57455 (VCV000057455.1).